The following is an entry in ClinVar:

ClinVar aggregate classification (germline): Uncertain significance (1 of 4 stars; one submission).

Conditions:
Catecholaminergic polymorphic ventricular tachycardia 1. Also called: VENTRICULAR TACHYCARDIA, CATECHOLAMINERGIC POLYMORPHIC, 1, WITH OR WITHOUT ATRIAL DYSFUNCTION AND/OR DILATED CARDIOMYOPATHY; RYR2-Related Catecholaminergic Polymorphic Ventricular Tachycardia; VENTRICULAR TACHYCARDIA, STRESS-INDUCED POLYMORPHIC 1. Identifiers: Orphanet 3286, MedGen C1631597, MONDO:0011484, OMIM 604772.

Submission:

Labcorp Genetics (formerly Invitae), Labcorp
Classification: Uncertain significance for Catecholaminergic polymorphic ventricular tachycardia 1. Last evaluated: 2022-08-23. Review status: criteria provided, single submitter. Criteria: Invitae Variant Classification Sherloc (09022015). Collection method: clinical testing. Allele origin: germline.
Comment: This variant is not present in population databases (gnomAD no frequency). This sequence change replaces glycine, which is neutral and non-polar, with alanine, which is neutral and non-polar, at codon 434 of the TRDN protein (p.Gly434Ala). This variant has not been reported in the literature in individuals affected with TRDN-related conditions. In summary, the available evidence is currently insufficient to determine the role of this variant in disease. Therefore, it has been classified as a Variant of Uncertain Significance. Algorithms developed to predict the effect of missense changes on protein structure and function output the following: SIFT: "Tolerated"; PolyPhen-2: "Benign"; Align-GVGD: "Class C0". The alanine amino acid residue is found in multiple mammalian species, which suggests that this missense change does not adversely affect protein function. ClinVar contains an entry for this variant (Variation ID: 1060810).

NM_006073.4(TRDN):c.1301G>C (p.Gly434Ala)

Gene: TRDN (triadin; minus strand). Cytogenetic location: 6q22.31.
Variant type: single nucleotide variant.
Coding change: c.1301G>C on transcript NM_006073.4 (MANE Select); coding-DNA position 1301, G replaced by C.
Protein change: p.Gly434Ala; replaces glycine 434 with alanine.
Molecular consequence: missense variant.
Genome position (GRCh38, 1-based): chr6:123,366,155, C>G on the plus strand (G>C on the coding strand, the complement: TRDN is on the minus strand). VCF-style: chr6-123366155-C-G. GRCh37 (hg19) VCF-style: chr6-123687300-C-G.
Other names: c.1304G>C, p.Gly435Ala (NM_001251987.2); short protein forms G434A, G435A.
Identifiers: ClinVar variation 1060810 (VCV001060810.10), dbSNP rs2114357967, ClinGen allele CA365565926.